The following is an entry in ClinVar:

ClinVar aggregate classification (germline): Uncertain significance (1 of 4 stars; one submission).

Allele frequency attached by ClinVar (database versions not stated): gnomAD exomes below 0.00001; TOPMed below 0.00001; gnomAD 0.00002.
gnomAD v4.1: 4 of 1,609,328 alleles (0.00025%); highest among the groups gnomAD compares: African/African-American, 0.0053%; no homozygotes.

Submission:

Labcorp Genetics (formerly Invitae), Labcorp
Classification: Uncertain significance. Last evaluated: 2020-01-28. Review status: criteria provided, single submitter. Criteria: Invitae Variant Classification Sherloc (09022015). Collection method: clinical testing. Allele origin: germline.
Comment: In summary, the available evidence is currently insufficient to determine the role of this variant in disease. Therefore, it has been classified as a Variant of Uncertain Significance. Algorithms developed to predict the effect of missense changes on protein structure and function (SIFT, PolyPhen-2, Align-GVGD) all suggest that this variant is likely to be tolerated, but these predictions have not been confirmed by published functional studies and their clinical significance is uncertain. This variant has not been reported in the literature in individuals with RGS9-related conditions. This variant is not present in population databases (ExAC no frequency). This sequence change replaces serine with asparagine at codon 568 of the RGS9 protein (p.Ser568Asn). The serine residue is weakly conserved and there is a small physicochemical difference between serine and asparagine.

NM_003835.4(RGS9):c.1703G>A (p.Ser568Asn)

Gene: RGS9 (regulator of G protein signaling 9; plus strand). Cytogenetic location: 17q24.1.
Variant type: single nucleotide variant.
Coding change: c.1703G>A on transcript NM_003835.4 (MANE Select); coding-DNA position 1703, G replaced by A.
Protein change: p.Ser568Asn; replaces serine 568 with asparagine.
Molecular consequence: missense variant.
Genome position (GRCh38, 1-based): chr17:65,225,297, G>A. VCF-style: chr17-65225297-G-A. GRCh37 (hg19) VCF-style: chr17-63221415-G-A.
Other names: c.1694G>A, p.Ser565Asn (NM_001081955.3); short protein forms S568N, S565N.
Identifiers: ClinVar variation 941077 (VCV000941077.9), dbSNP rs1296133572, ClinGen allele CA400673816.